The following is an entry in ClinVar:

NM_001367479.1(DNAH14):c.2978A>C (p.Glu993Ala)

Gene: DNAH14 (dynein axonemal heavy chain 14; plus strand). Cytogenetic location: 1q42.12.
Variant type: single nucleotide variant.
Coding change: c.2978A>C on transcript NM_001367479.1 (MANE Select); coding-DNA position 2978, A replaced by C.
Protein change: p.Glu993Ala; replaces glutamic acid 993 with alanine.
Molecular consequence: missense variant.
Genome position (GRCh38, 1-based): chr1:225,080,590, A>C. VCF-style: chr1-225080590-A-C. GRCh37 (hg19) VCF-style: chr1-225268292-A-C.
Other names: NM_001373.1:c.2978A>C; short protein forms E993A.
Identifiers: ClinVar variation 3371298 (VCV003371298.1).

ClinVar aggregate classification (germline): Uncertain significance (1 of 4 stars; one submission).

Submission:

GeneDx
Classification: Uncertain significance. Last evaluated: 2024-03-26. Review status: criteria provided, single submitter. Criteria: GeneDx Variant Classification Process June 2021. Collection method: clinical testing. Allele origin: germline. Affected: yes.
Comment: Not observed at significant frequency in large population cohorts (gnomAD); In silico analysis supports that this missense variant has a deleterious effect on protein structure/function; Has not been previously published as pathogenic or benign to our knowledge; In silico analysis suggests this variant may impact gene splicing. In the absence of RNA/functional studies, the actual effect of this sequence change is unknown.